The following is an entry in ClinVar:

NM_001457.4(FLNB):c.4676A>G (p.Gln1559Arg)

Gene: FLNB (filamin B; plus strand). Cytogenetic location: 3p14.3.
Variant type: single nucleotide variant.
Coding change: c.4676A>G on transcript NM_001457.4 (MANE Select); coding-DNA position 4676, A replaced by G.
Protein change: p.Gln1559Arg; replaces glutamine 1559 with arginine.
Molecular consequence: missense variant.
Genome position (GRCh38, 1-based): chr3:58,135,983, A>G. VCF-style: chr3-58135983-A-G. GRCh37 (hg19) VCF-style: chr3-58121710-A-G.
Other names: c.4769A>G, p.Gln1590Arg (NM_001164317.2); c.4676A>G, p.Gln1559Arg (NM_001164318.2, NM_001164319.2); short protein forms Q1590R, Q1559R.
Identifiers: ClinVar variation 3679174 (VCV003679174.2).
Genomic context (GRCh38, chr3:58,135,983, plus strand): 5'-TGAATGTTTTCTACATCTTGACAACATCCTAAATAGCATTTCTCTATGATCCACAGGACC[A>G]AGAAGGAAAACCCAAAAGAGCCATTGTCCATGACAATAAAGATGGCACGTATGCTGTCAC-3'
Protein context (NP_001448.2, residues 1549-1569): EGLLAVQITD[Gln1559Arg]EGKPKRAIVH

ClinVar aggregate classification (germline): Uncertain significance (1 of 4 stars; one submission).

gnomAD v4.1: 4 of 1,614,164 alleles (0.00025%); highest among the groups gnomAD compares: Non-Finnish European, 0.00025%; no homozygotes.

Submission:

Labcorp Genetics (formerly Invitae), Labcorp
Classification: Uncertain significance. Last evaluated: 2024-08-29. Review status: criteria provided, single submitter. Criteria: Invitae Variant Classification Sherloc (09022015). Collection method: clinical testing. Allele origin: germline.
Comment: This sequence change replaces glutamine, which is neutral and polar, with arginine, which is basic and polar, at codon 1559 of the FLNB protein (p.Gln1559Arg). This variant is not present in population databases (gnomAD no frequency). This variant has not been reported in the literature in individuals affected with FLNB-related conditions. Invitae Evidence Modeling of protein sequence and biophysical properties (such as structural, functional, and spatial information, amino acid conservation, physicochemical variation, residue mobility, and thermodynamic stability) indicates that this missense variant is not expected to disrupt FLNB protein function with a negative predictive value of 95%. In summary, the available evidence is currently insufficient to determine the role of this variant in disease. Therefore, it has been classified as a Variant of Uncertain Significance.